The following is an entry in ClinVar:

ClinVar aggregate classification (germline): Conflicting classifications of pathogenicity. Review status: criteria provided, conflicting classifications (1 of 4 stars). 8 submissions from 8 submitters: Uncertain significance (2); Benign (1); Likely benign (4). 1 of the submissions does not count toward it. Last evaluated 2026-01-06.

Conditions:
WRN-related disorder. Also called: WRN-related condition.
Werner syndrome (WRN). Identifiers: Orphanet 902, MedGen C0043119, MONDO:0010196, OMIM 277700.

Allele frequency attached by ClinVar (database versions not stated): 1000 Genomes Project 30x 0.00047; 1000 Genomes Project 0.00060; gnomAD 0.00005 and 0.00013; TOPMed 0.00007; ESP Exome Variant Server 0.00015.
gnomAD v4.1: 404 of 1,612,742 alleles (0.025%); highest among the groups gnomAD compares: South Asian, 0.31%; 4 homozygotes.

Submissions (8):

Labcorp Genetics (formerly Invitae), Labcorp
Classification: Likely benign for Werner syndrome. Last evaluated: 2026-01-06. Review status: criteria provided, single submitter. Criteria: Invitae Variant Classification Sherloc (09022015). Collection method: clinical testing. Allele origin: germline.

PreventionGenetics, part of Exact Sciences
Classification: Benign for WRN-related condition. Last evaluated: 2025-02-13. Review status: criteria provided, single submitter. Criteria: ACMG Guidelines, 2015. Collection method: clinical testing. Allele origin: germline.
Comment: This variant is classified as benign based on ACMG/AMP sequence variant interpretation guidelines (Richards et al. 2015 PMID: 25741868, with internal and published modifications).

Blueprint Genetics
Classification: Likely benign. Last evaluated: 2024-11-13. Review status: criteria provided, single submitter. Criteria: ACMG Guidelines, 2015. Collection method: clinical testing. Allele origin: germline.

CeGaT Center for Human Genetics Tuebingen
Classification: Likely benign. Last evaluated: 2024-06-01. Review status: criteria provided, single submitter. Criteria: CeGaT Center For Human Genetics Tuebingen Variant Classification Criteria Version 2. Collection method: clinical testing. Allele origin: germline. Affected: yes. Observed: 2 variant alleles.
Comment: WRN: BP4, BS2

Revvity Omics, Revvity
Classification: Uncertain significance for Werner syndrome. Last evaluated: 2024-05-22. Review status: criteria provided, single submitter. Criteria: ACMG Guidelines, 2015. Collection method: clinical testing. Allele origin: germline.

GeneDx
Classification: Likely benign. Last evaluated: 2018-08-20. Review status: criteria provided, single submitter. Criteria: GeneDx Variant Classification Process June 2021. Collection method: clinical testing. Allele origin: germline. Affected: yes.

Illumina Laboratory Services, Illumina
Classification: Uncertain significance for Werner syndrome. Last evaluated: 2018-01-13. Review status: criteria provided, single submitter. Criteria: ICSL Variant Classification Criteria 13 December 2019. Collection method: clinical testing. Allele origin: germline.

Department of Pathology and Laboratory Medicine, Sinai Health System
Classification: Likely benign. Review status: no assertion criteria provided. Collection method: clinical testing. Allele origin: unknown. Affected: yes. Study: The Canadian Open Genetics Repository (COGR). Not counted in ClinVar's aggregate classification.
Comment: The WRN p.I912S variant was not identified in the literature nor was it identified in Cosmic or LOVD 3.0. The variant was identified in dbSNP (ID: rs11574323) and ClinVar (classified as uncertain significance by Illumina and as likely benign by Invitae). The variant was identified in control databases in 122 of 267578 chromosomes (3 homozygous) at a frequency of 0.0004559 increasing the likelihood this could be a low frequency benign variant (Genome Aggregation Database March 6, 2019, v2.1.1). The variant was observed in the following populations: South Asian in 99 of 30486 chromosomes (freq: 0.003247), Ashkenazi Jewish in 7 of 9846 chromosomes (freq: 0.000711), Other in 1 of 6662 chromosomes (freq: 0.00015), European (non-Finnish) in 13 of 117852 chromosomes (freq: 0.00011), European (Finnish) in 1 of 25098 chromosomes (freq: 0.00004) and Latino in 1 of 35006 chromosomes (freq: 0.000029), but was not observed in the African or East Asian populations. The p.I912 residue is not conserved in mammals and computational analyses (PolyPhen-2, SIFT, AlignGVGD, BLOSUM, MutationTaster) provide inconsistent predictions regarding the impact to the protein; this information is not very predictive of pathogenicity. The variant occurs outside of the splicing consensus sequence and in silico or computational prediction software programs (SpliceSiteFinder, MaxEntScan, NNSPLICE, GeneSplicer) do not predict a difference in splicing. In summary, based on the above information the clinical significance of this variant cannot be determined with certainty at this time although we would lean towards a more benign role for this variant. This variant is classified as likely benign.

NM_000553.6(WRN):c.2735T>G (p.Ile912Ser)

Gene: WRN (WRN RecQ like helicase; plus strand). Cytogenetic location: 8p12.
Variant type: single nucleotide variant.
Coding change: c.2735T>G on transcript NM_000553.6 (MANE Select); coding-DNA position 2735, T replaced by G.
Protein change: p.Ile912Ser; replaces isoleucine 912 with serine.
Molecular consequence: missense variant.
Genome position (GRCh38, 1-based): chr8:31,124,910, T>G. VCF-style: chr8-31124910-T-G. GRCh37 (hg19) VCF-style: chr8-30982426-T-G.
Other names: short protein forms I912S.
Identifiers: ClinVar variation 238143 (VCV000238143.46), dbSNP rs11574323, ClinGen allele CA4704842.